The following is an entry in ClinVar:

NM_007294.4(BRCA1):c.643G>T (p.Glu215Ter)

Gene: BRCA1 (BRCA1 DNA repair associated; minus strand). Cytogenetic location: 17q21.31.
Variant type: single nucleotide variant.
Coding change: c.643G>T on transcript NM_007294.4 (MANE Select); coding-DNA position 643, G replaced by T.
Protein change: p.Glu215Ter; replaces glutamic acid 215 with a stop codon.
Molecular consequence: nonsense. On other transcripts: non-coding transcript variant (1).
Genome position (GRCh38, 1-based): chr17:43,095,873, C>A on the plus strand (G>T on the coding strand, the complement: BRCA1 is on the minus strand). VCF-style: chr17-43095873-C-A. GRCh37 (hg19) VCF-style: chr17-41247890-C-A.
Other names: NM_007294.4(BRCA1):c.643G>T; p.Glu215Ter; c.430G>T, p.Glu144Ter (NM_001407571.1, NM_001407853.1, NM_001407894.1 and 12 more transcripts); c.643G>T, p.Glu215Ter (NM_001407581.1, NM_001407582.1, NM_001407583.1 and 59 more transcripts); c.640G>T, p.Glu214Ter (NM_001407587.1, NM_001407590.1, NM_001407591.1 and 41 more transcripts); c.634G>T, p.Glu212Ter (NM_001407646.1, NM_001407647.1, NM_001408408.1); c.565G>T, p.Glu189Ter (NM_001407653.1, NM_001407654.1, NM_001407655.1 and 9 more transcripts); c.562G>T, p.Glu188Ter (NM_001407659.1, NM_001407660.1, NM_001407661.1 and 3 more transcripts); and 6 more; short protein forms E215*, E168*, E189*, E212*, E144*, E145*, E88*, E167*.
Identifiers: ClinVar variation 921178 (VCV000921178.16), dbSNP rs2054111326, ClinGen allele CA10600817.

ClinVar aggregate classification (germline): Uncertain significance. Review status: reviewed by expert panel (3 of 4 stars). 4 submissions from 4 submitters: Uncertain significance (1). 3 of the submissions do not count toward it. Last evaluated 2026-09-21.

Conditions:
Hereditary cancer-predisposing syndrome. Also called: Neoplastic Syndromes, Hereditary; Hereditary Cancer Syndrome; Tumor predisposition; Hereditary neoplastic syndrome. Identifiers: Orphanet 140162, MedGen C0027672, MeSH D009386, MONDO:0015356.
Hereditary breast ovarian cancer syndrome. Also called: Hereditary breast and ovarian cancer syndrome; Hereditary breast and/or ovarian cancer syndrome; Breast and ovarian cancer; BRCA1- and BRCA2-Associated Hereditary Breast and Ovarian Cancer; Hereditary breast and ovarian cancer; Hereditary breast and ovarian cancer syndrome (HBOC). Identifiers: Orphanet 145, MedGen C0677776, MeSH D061325, MONDO:0003582. Disease mechanism: loss of function.
BRCA1-related cancer predisposition. Identifiers: MedGen CN377757, MONDO:0700268.

Submissions (4):

ClinGen ENIGMA BRCA1 and BRCA2 Variant Curation Expert Panel, ClinGen
Classification: Uncertain significance for BRCA1-related cancer predisposition. Last evaluated: 2026-09-21. Review status: reviewed by expert panel. Criteria: CSpec BRCA1/2ACMG Rules Specifications V1.2. Collection method: curation. Allele origin: germline. Inheritance: Autosomal dominant inheritance.
Comment: The c.643G>T variant in BRCA1 is predicted to cause a change in the length of the protein due to the insertion of a terminating codon instead of the usual Glutamic Acid at amino acid 215 (p.(Glu215Ter)). This variant is absent from gnomAD v4.1 (read depth ≥25x in >90% samples, PM2_Supporting met). This variant has a SpliceAI score of 0.53, predicting an impact on splicing. It is predicted to cause skipping of exon 9(10), which is expected to be rescued by skipping of exon 8(9) and 9(10) in-frame isoform. The ENIGMA BRCA1/2 VCEP considered multiple lines of functional and clinical evidence to define exon-specific weights for PTC in BRCA1, and results indicate that no evidence towards pathogenicity may be applied for a PTC variant in BRCA1 exon 9(10) (PVS1_N/A, PM5_N/A (PTC)). In summary, this variant meets the criteria to be classified as a Variant of uncertain significance for BRCA1-related cancer predisposition based on the ACMG/AMP criteria applied as specified by the ENIGMA BRCA1/2 VCEP (PM2_Supporting).

Ambry Genetics
Classification: Uncertain significance for Hereditary cancer-predisposing syndrome. Last evaluated: 2026-06-18. Review status: criteria provided, single submitter. Criteria: Ambry Variant Classification Scheme 2023. Collection method: clinical testing. Allele origin: germline. Not counted in ClinVar's aggregate classification.
Comment: The p.E215* variant (also known as c.643G>T), located in coding exon 8 of the BRCA1 gene, results from a G to T substitution at nucleotide position 643. This changes the amino acid from a glutamic acid to a stop codon within coding exon 8. This alteration has been reported in several breast cancer cohorts (Hahnen E et al. JAMA Oncol. 2017 Oct;3(10):1378-1385; Deng M et al. Int J Cancer. 2019 Sep;145(6):1517-1528). Alterations that result in premature protein truncation are typically deleterious in nature. However, because this alteration occurs in one of the two exons that are absent in an in-frame, partially functional, naturally occurring isoform (&Delta;7_8, which is also known in the literature as BRCA1 &Delta;9_10), it has an uncertain impact on pathogenicity (Colombo M et al. Hum. Mol. Genet. 2014 Jul;23:3666-80; Whiley PJ et al. Clin. Chem. 2014 Feb;60:341-52). Based on the available evidence, the clinical significance of this variant remains unclear.

Color Diagnostics, LLC DBA Color Health
Classification: Uncertain significance for Hereditary cancer-predisposing syndrome. Last evaluated: 2023-09-01. Review status: criteria provided, single submitter. Criteria: ACMG Guidelines, 2015. Collection method: clinical testing. Allele origin: germline. Not counted in ClinVar's aggregate classification.
Comment: This variant changes 1 nucleotide in exon 9 of the BRCA1 gene, creating a premature translation stop signal. This variant is expected to result in the absence of functional full-length protein product, but to our knowledge, functional assays have not been performed. This variant has not been identified in the general population by the Genome Aggregation Database (gnomAD). Truncation variants in the vicinity of exons 8 and 9 have been reported in three individuals affected with high-risk breast cancer and/or ovarian cancer (PMID: 12203997, 12815604, 15642173, 33649982) and in a suspected hereditary breast and ovarian cancer family (PMID: 8764110). In one study, an exon 9 frameshift variant (c.594_597del) has been observed in compound heterozygosity with a known pathogenic missense variant, in an individual diagnosed with Fanconi anemia (PMID: 25472942). This presentation suggests that the exon 9 variant contributed to the development of disease. However, two splicing variants c.591C>T and c.594-2A>C that have been demonstrated to cause a premature translation stop signal and have been reported in individuals affected with breast and ovarian cancer, as well as in healthy unaffected individuals (PMID: 16211554, 19892845, 25639900, 27008870). The case-control, health history, tumor pathology and segregation data for the c.594-2A>C variant either indicate that this variant is not pathogenic or that pathogenicity is inconclusive (PMID: 25639900, 27008870). In these carriers, there is a relative increase in the skipping of exons 8 and 9 by pre-mRNA splicing that is expected to cause a small in-frame deletion of 41 amino acids from the reference protein (1884 amino acids) (PMID: 19892845, 27008870). An interpretation of these findings is that a BRCA1 mRNA isoform lacking exons 8 and 9 is normally produced and is functional. This alternate mRNA isoform is expected to be refractory to frameshift, nonsense and splicing defective variants found in exons 8 and 9 (PMID: 27008870). RNA studies have confirmed the appearance of the skipping of exons 8 and 9 in the majority of individuals tested, however, the degree of expression also appears to be highly variable in individuals (PMID: 24569164, 27008870, 28905878, 32133419). Taken together, the available evidence suggests that the expected deleterious effects of this c.643G>T variant and other truncation variants occurring in exons 8 and 9 could be ameliorated by the expression of the mRNA isoform lacking exons 8 and 9 that retains normal BRCA1 function. Because of the uncertain clinical consequences of this variant, it is classified as a Variant of Uncertain Significance.

Labcorp Genetics (formerly Invitae), Labcorp
Classification: Uncertain significance for Hereditary breast ovarian cancer syndrome. Last evaluated: 2023-08-04. Review status: criteria provided, single submitter. Criteria: Invitae Variant Classification Sherloc (09022015). Collection method: clinical testing. Allele origin: germline. Not counted in ClinVar's aggregate classification.
Comment: This variant is not present in population databases (gnomAD no frequency). This sequence change creates a premature translational stop signal (p.Glu215*) in the BRCA1 gene. Loss-of-function variants in BRCA1 are expected to be pathogenic (PMID: 20104584). However, an in-frame BRCA1 isoform lacking exons 8 and 9 (also known as exons 9 and 10) is highly expressed in blood from unaffected individuals and in normal breast tissue; this isoform may retain protein function and could functionally rescue loss-of-function variants within exons 8-9 (PMID: 24569164). ClinVar contains an entry for this variant (Variation ID: 921178). In summary, the available evidence is currently insufficient to determine the role of this variant in disease. Therefore, it has been classified as a Variant of Uncertain Significance. Algorithms developed to predict the effect of sequence changes on RNA splicing suggest that this variant may disrupt the consensus splice site. This variant has not been reported in the literature in individuals affected with BRCA1-related conditions.

Literature cited by the submitters: PubMed 24212087 (cited by Ambry Genetics); PubMed 24569164 (cited by 3 submitters); PubMed 28715532 (cited by Ambry Genetics); PubMed 30720863 (cited by Ambry Genetics); PubMed 36922883 (cited by Ambry Genetics); PubMed 8764110 (cited by Color Diagnostics, LLC DBA Color Health); PubMed 12203997 (cited by Color Diagnostics, LLC DBA Color Health); PubMed 12815604 (cited by Color Diagnostics, LLC DBA Color Health); PubMed 15642173 (cited by Color Diagnostics, LLC DBA Color Health); PubMed 16211554 (cited by Color Diagnostics, LLC DBA Color Health); PubMed 19892845 (cited by Color Diagnostics, LLC DBA Color Health); PubMed 25472942 (cited by Color Diagnostics, LLC DBA Color Health); PubMed 25639900 (cited by Color Diagnostics, LLC DBA Color Health); PubMed 27008870 (cited by Color Diagnostics, LLC DBA Color Health); PubMed 28905878 (cited by Color Diagnostics, LLC DBA Color Health); PubMed 32133419 (cited by Color Diagnostics, LLC DBA Color Health); PubMed 33649982 (cited by Color Diagnostics, LLC DBA Color Health); PubMed 20104584 (cited by Labcorp Genetics (formerly Invitae), Labcorp).